The following is an entry in ClinVar:

ClinVar aggregate classification (germline): Uncertain significance. Review status: criteria provided, multiple submitters, no conflicts (2 of 4 stars). 2 submissions from 2 submitters: Uncertain significance (2). Last evaluated 2024-06-25.

Allele frequency attached by ClinVar (database versions not stated): gnomAD exomes below 0.00001; ExAC 0.00001; gnomAD 0.00001; TOPMed 0.00003.
gnomAD v4.1: 35 of 1,614,044 alleles (0.0022%); highest among the groups gnomAD compares: East Asian, 0.018%; no homozygotes.

Submissions (2):

Labcorp Genetics (formerly Invitae), Labcorp
Classification: Uncertain significance. Last evaluated: 2024-06-25. Review status: criteria provided, single submitter. Criteria: Invitae Variant Classification Sherloc (09022015). Collection method: clinical testing. Allele origin: germline.
Comment: This sequence change replaces arginine, which is basic and polar, with serine, which is neutral and polar, at codon 4810 of the RNF213 protein (p.Arg4810Ser). This variant is present in population databases (rs765502583, gnomAD 0.006%). This variant has not been reported in the literature in individuals affected with RNF213-related conditions. ClinVar contains an entry for this variant (Variation ID: 1326584). An algorithm developed to predict the effect of missense changes on protein structure and function (PolyPhen-2) suggests that this variant is likely to be tolerated. In summary, the available evidence is currently insufficient to determine the role of this variant in disease. Therefore, it has been classified as a Variant of Uncertain Significance.

GeneDx
Classification: Uncertain significance. Last evaluated: 2021-05-25. Review status: criteria provided, single submitter. Criteria: GeneDx Variant Classification Process June 2021. Collection method: clinical testing. Allele origin: germline. Affected: yes.
Comment: Identified as heterozygous by whole exome sequencing in an individual with sporadic cerebral cavernous malformation and epilepsy (Lin et al., 2020); Not observed at significant frequency in large population cohorts (Lek et al., 2016); In silico analysis supports that this missense variant has a deleterious effect on protein structure/function; This variant is associated with the following publications: (PMID: 32248732)

NM_001256071.3(RNF213):c.14430A>C (p.Arg4810Ser)

Genes: RNF213 (ring finger protein 213; plus strand), RNF213-AS1 (RNF213 antisense RNA 1; minus strand). Cytogenetic location: 17q25.3.
Variant type: single nucleotide variant.
Coding change: c.14430A>C on transcript NM_001256071.3 (MANE Select); coding-DNA position 14430, A replaced by C.
Protein change: p.Arg4810Ser; replaces arginine 4810 with serine.
Molecular consequence: missense variant.
Genome position (GRCh38, 1-based): chr17:80,385,146, A>C. VCF-style: chr17-80385146-A-C. GRCh37 (hg19) VCF-style: chr17-78358946-A-C.
Other names: short protein forms R4810S.
Identifiers: ClinVar variation 1326584 (VCV001326584.4), dbSNP rs765502583, ClinGen allele CA8822947.